The following is an entry in ClinVar:

NC_000008.10:g.(?_90965634)_(90971364_?)del

Gene: NBN (nibrin; minus strand). Cytogenetic location: 8q21.3.
Variant type: Deletion.
Identifiers: ClinVar variation 1507689 (VCV001507689.4).

ClinVar aggregate classification (germline): Likely pathogenic (1 of 4 stars; one submission).

Conditions:
Microcephaly, normal intelligence and immunodeficiency (NBS). Also called: BERLIN BREAKAGE SYNDROME; Nijmegen breakage syndrome; Microcephaly with normal intelligence immunodeficiency and lymphoreticular malignancies; Nonsyndromal microcephaly autosomal recessive with normal intelligence; Seemanova syndrome 2; Ataxia telangiectasia variant V1. Identifiers: Orphanet 647, MedGen C0398791, MONDO:0009623, OMIM 251260.

Submission:

Labcorp Genetics (formerly Invitae), Labcorp
Classification: Likely pathogenic for Microcephaly, normal intelligence and immunodeficiency. Last evaluated: 2021-07-15. Review status: criteria provided, single submitter. Criteria: Invitae Variant Classification Sherloc (09022015). Collection method: clinical testing. Allele origin: germline.
Comment: In summary, the currently available evidence indicates that the variant is pathogenic, but additional data are needed to prove that conclusively. Therefore, this variant has been classified as Likely Pathogenic. This variant has not been reported in the literature in individuals affected with NBN-related conditions. This variant results in the deletion of exon(s) 9-10 and part of exon 11 (c.995-282_1683del) of the NBN gene. It is expected to disrupt RNA splicing. Variants that disrupt the donor or acceptor splice site typically lead to a loss of protein function (PMID: 16199547), and loss-of-function variants in NBN are known to be pathogenic (PMID: 9590180, 16415040).

Literature cited by the submitters: PubMed 16199547; PubMed 9590180; PubMed 16415040.